The following is an entry in ClinVar:

ClinVar aggregate classification (germline): Benign. Review status: criteria provided, multiple submitters, no conflicts (2 of 4 stars). 3 submissions from 3 submitters: Benign (3). Last evaluated 2024-01-24.

Allele frequency attached by ClinVar (database versions not stated): TOPMed 0.31901; 1000 Genomes Project 30x 0.34947; 1000 Genomes Project 0.35703; ESP Exome Variant Server 0.28758.
gnomAD v4.1: 465,889 of 1,607,600 alleles (29%); highest among the groups gnomAD compares: East Asian, 63%; 72,141 homozygotes.

Submissions (3):

Unidad de Genómica Garrahan, Hospital de Pediatría Garrahan
Classification: Benign. Last evaluated: 2024-01-24. Review status: criteria provided, single submitter. Criteria: ACMG Guidelines, 2015. Collection method: clinical testing. Allele origin: germline. Affected: no. Observed: 59 variant alleles.
Comment: This variant is classified as Benign based on local population frequency. This variant was detected in 67% of patients studied by a panel of primary immunodeficiencies. Number of patients: 59. Only high quality variants are reported.

GeneDx
Classification: Benign. Last evaluated: 2018-11-11. Review status: criteria provided, single submitter. Criteria: GeneDx Variant Classification Process June 2021. Collection method: clinical testing. Allele origin: germline. Affected: yes.

Breakthrough Genomics
Classification: Benign. Review status: criteria provided, single submitter. Criteria: ACMG Guidelines, 2015. Collection method: not provided. Allele origin: germline. Inheritance: Autosomal recessive inheritance. Affected: yes.

NM_017671.5(FERMT1):c.1718+52C>T

Gene: FERMT1 (FERM domain containing kindlin 1; minus strand). Cytogenetic location: 20p12.3.
Variant type: single nucleotide variant.
Coding change: c.1718+52C>T on transcript NM_017671.5 (MANE Select); 52 bases into the intron after coding-DNA position 1718, C replaced by T.
Molecular consequence: intron variant.
Genome position (GRCh38, 1-based): chr20:6,083,988, G>A on the plus strand (C>T on the coding strand, the complement: FERMT1 is on the minus strand). VCF-style: chr20-6083988-G-A. GRCh37 (hg19) VCF-style: chr20-6064635-G-A.
Identifiers: ClinVar variation 1259642 (VCV001259642.5), dbSNP rs753928, ClinGen allele CA15965039.